The following is an entry in ClinVar:

NC_000013.10:g.(?_20797176)_21105944del

Gene: GJB6 (gap junction protein beta 6; minus strand).
Variant type: Deletion.
Identifiers: ClinVar variation 1072828 (VCV001072828.2).

ClinVar aggregate classification (germline): Pathogenic (1 of 4 stars; one submission).

Conditions:
Hidrotic ectodermal dysplasia syndrome (GJB6). Also called: Ectodermal dysplasia 2, hidrotic; Autosomal dominant hidrotic ectodermal dysplasia; Clouston syndrome; Clouston's hidrotic ectodermal dysplasia; Hidrotic ectodermal dysplasia; CLOUSTON HIDROTIC ECTODERMAL DYSPLASIA. Identifiers: Orphanet 189, MedGen C0162361, MONDO:0007510, OMIM 129500.
Autosomal recessive nonsyndromic hearing loss 1A (DFNB1A). Also called: GJB6-Related DFNB 1 Nonsyndromic Hearing Loss and Deafness; Deafness, autosomal recessive 1A; GJB2-Related Autosomal Recessive Nonsyndromic Hearing Loss; Nonsyndromic Hearing Loss and Deafness, DFNB1; Connexin 26 deafness; Deafness nonsyndromic, Connexin 26 linked. Identifiers: Orphanet 90636, MedGen C2673759, MONDO:0009076, OMIM 220290.
Autosomal recessive nonsyndromic hearing loss 1B. Also called: DEAFNESS, AUTOSOMAL RECESSIVE 1B. Identifiers: Orphanet 90636, MedGen C2675235, MONDO:0012977, OMIM 612645.
Autosomal dominant nonsyndromic hearing loss 3B. Identifiers: Orphanet 90635, MedGen C2675237, MONDO:0012975, OMIM 612643.

Submission:

Labcorp Genetics (formerly Invitae), Labcorp
Classification: Pathogenic for Autosomal dominant nonsyndromic hearing loss 3B; Hidrotic ectodermal dysplasia syndrome; Autosomal recessive nonsyndromic hearing loss 1B; Autosomal recessive nonsyndromic hearing loss 1A. Last evaluated: 2019-07-23. Review status: criteria provided, single submitter. Criteria: Invitae Variant Classification Sherloc (09022015). Collection method: clinical testing. Allele origin: germline.
Comment: This variant is a deletion of the genomic region encompassing exons 1-2 and part of exon 3 (c.-301125_444del) of the GJB6 gene. It is expected to disrupt RNA splicing and likely results in an absent or disrupted protein product. This variant has not been reported in the literature in individuals with GJB6-related conditions. This variant disrupts the p.Gly11 amino acid residue in GJB6. Other variant(s) that disrupt this residue have been determined to be pathogenic (PMID: 12788524). This suggests that this residue is clinically significant, and that variants that disrupt this residue are likely to be disease-causing. Loss-of-function variants in GJB6 are known to be pathogenic (PMID: 11807148, 11896458). For these reasons, this variant has been classified as Pathogenic.

Literature cited by the submitters: PubMed 12788524; PubMed 11807148; PubMed 11896458.